The following is an entry in ClinVar:

ClinVar aggregate classification (germline): Uncertain significance (1 of 4 stars; one submission).

Submission:

Women's Health and Genetics/Laboratory Corporation of America, LabCorp
Classification: Uncertain significance. Last evaluated: 2025-11-19. Review status: criteria provided, single submitter. Criteria: LabCorp Variant Classification Summary - May 2015. Collection method: clinical testing. Allele origin: germline.
Comment: Variant summary: PKD1 c.7927C>G (p.Arg2643Gly) results in a non-conservative amino acid change in the encoded protein sequence. Algorithms developed to predict the effect of missense changes on protein structure and function are either unavailable or do not agree on the potential impact of this missense change. The variant was absent in 231050 control chromosomes (gnomAD). The available data on variant occurrences in the general population are insufficient to allow any conclusion about variant significance. To our knowledge, no occurrence of c.7927C>G in individuals affected with PKD1-related conditions and no experimental evidence demonstrating its impact on protein function have been reported. A different variant affecting the same codon has been classified as pathogenic by our lab (c.7927C>T, p.Arg2643Cys), supporting the critical relevance of codon 2643 to PKD1 protein function. No submitters have cited clinical-significance assessments for this variant to ClinVar. Based on the evidence outlined above, the variant was classified as uncertain significance.

NM_001009944.3(PKD1):c.7927C>G (p.Arg2643Gly)

Gene: PKD1 (polycystin 1, transient receptor potential channel interacting; minus strand). Cytogenetic location: 16p13.3.
Variant type: single nucleotide variant.
Coding change: c.7927C>G on transcript NM_001009944.3 (MANE Select); coding-DNA position 7927, C replaced by G.
Protein change: p.Arg2643Gly; replaces arginine 2643 with glycine.
Molecular consequence: missense variant.
Genome position (GRCh38, 1-based): chr16:2,105,411, G>C on the plus strand (C>G on the coding strand, the complement: PKD1 is on the minus strand). VCF-style: chr16-2105411-G-C. GRCh37 (hg19) VCF-style: chr16-2155412-G-C.
Other names: c.7927C>G, p.Arg2643Gly (NM_000296.4); short protein forms R2643G.
Identifiers: ClinVar variation 4537325 (VCV004537325.1).